The following is an entry in ClinVar:

ClinVar aggregate classification (germline): Conflicting classifications of pathogenicity. Review status: criteria provided, conflicting classifications (1 of 4 stars). 3 submissions from 3 submitters: Uncertain significance (1); Benign (1); Likely benign (1). Last evaluated 2025-03-17.

Conditions:
Inborn genetic diseases. Identifiers: MedGen C0950123, MeSH D030342.
Intellectual developmental disorder, X-linked, syndromic, Turner type. Also called: X-linked intellectual disability, Turner type; Intellectual disability, X-linked syndromic, Turner type. Identifiers: Orphanet 3056, Orphanet 85328, MedGen C2678046, MONDO:0010407, OMIM 309590.

Allele frequency attached by ClinVar (database versions not stated): gnomAD 0.00006 and 0.00005; ESP Exome Variant Server 0.00019; TOPMed 0.00004; ExAC 0.00003; gnomAD exomes 0.00001.

Submissions (3):

Ambry Genetics
Classification: Likely benign for Inborn genetic diseases. Last evaluated: 2025-03-17. Review status: criteria provided, single submitter. Criteria: Ambry Variant Classification Scheme 2023. Collection method: clinical testing. Allele origin: germline.

Labcorp Genetics (formerly Invitae), Labcorp
Classification: Benign. Last evaluated: 2024-04-03. Review status: criteria provided, single submitter. Criteria: Invitae Variant Classification Sherloc (09022015). Collection method: clinical testing. Allele origin: germline.

New York Genome Center
Classification: Uncertain significance for Intellectual developmental disorder, X-linked, syndromic, Turner type. Last evaluated: 2021-05-18. Review status: criteria provided, single submitter. Criteria: NYGC Assertion Criteria 2020. Collection method: clinical testing. Allele origin: inherited. Observed: 1 hemizygote. Study: CSER-NYCKidSeq.
Comment: The inherited hemizygous variant c.2905G>A, p.Ala969Thr identified HUWEI has not been reported in the literature. This variant has five heterozygous alleles in the gnomAD v3.1 database, indicating a rare allele, and in silico tools predict a conflicting evidence of pathogenicity. Based on the available evidence, the variant c.2905G>A, p.Ala969Thr in the HUWE1 gene is classified as a variant of uncertain significance

NM_031407.7(HUWE1):c.2905G>A (p.Ala969Thr)

Gene: HUWE1 (HECT, UBA and WWE domain containing E3 ubiquitin protein ligase 1; minus strand). Cytogenetic location: Xp11.22.
Variant type: single nucleotide variant.
Coding change: c.2905G>A on transcript NM_031407.7 (MANE Select); coding-DNA position 2905, G replaced by A.
Protein change: p.Ala969Thr; replaces alanine 969 with threonine.
Molecular consequence: missense variant.
Genome position (GRCh38, 1-based): chrX:53,602,630, C>T on the plus strand (G>A on the coding strand, the complement: HUWE1 is on the minus strand). VCF-style: chrX-53602630-C-T. GRCh37 (hg19) VCF-style: chrX-53629591-C-T.
Other names: c.2905G>A (NM_031407.4); short protein forms A969T.
Identifiers: ClinVar variation 1342602 (VCV001342602.4), dbSNP rs138433243, ClinGen allele CA10422638.